The following is an entry in ClinVar:

NM_014251.3(SLC25A13):c.*679_*684del

Gene: SLC25A13 (solute carrier family 25 member 13; minus strand). Cytogenetic location: 7q21.3.
Variant type: Deletion.
Coding change: c.*679_*684del on transcript NM_014251.3 (MANE Select); 679 bases downstream of the stop codon through 684 bases downstream of the stop codon, 6 bases deleted (ATGTAG; older notation c.*679_*684delATGTAG).
Molecular consequence: 3 prime UTR variant. On other transcripts: non-coding transcript variant (1).
Genome position (GRCh38, 1-based): chr7:96,120,507-96,120,512, CTACAT deleted on the plus strand (ATGTAG on the coding strand, the reverse complement: SLC25A13 is on the minus strand); deleting any 6 consecutive bases within chr7:96,120,507-96,120,514 gives the same sequence; the c. name uses the placement nearest the transcript's 3' end. VCF-style (leftmost placement, unchanged base first): chr7-96120506-GCTACAT-G. GRCh37 (hg19) VCF-style: chr7-95749818-GCTACAT-G.
Other names: c.*679_*684del (NM_001160210.2).
Identifiers: ClinVar variation 1707378 (VCV001707378.2), dbSNP rs532132551, ClinGen allele CA4352680.

ClinVar aggregate classification (germline): Likely benign (1 of 4 stars; one submission).

Submission:

GeneDx
Classification: Likely benign. Last evaluated: 2021-05-16. Review status: criteria provided, single submitter. Criteria: GeneDx Variant Classification Process June 2021. Collection method: clinical testing. Allele origin: germline. Affected: yes.
Comment: See Variant Classification Assertion Criteria.